The following is an entry in ClinVar:

ClinVar aggregate classification (germline): Pathogenic (1 of 4 stars; one submission).

Conditions:
Mucopolysaccharidosis, MPS-II (MPS2). Also called: Hunter Syndrome; IDURONATE 2-SULFATASE DEFICIENCY; Mucopolysaccharidosis Type II; Mucopolysaccharidosis type 2; Attenuated MPS (subtype; formerly known as mild MPS II); Severe MPS II. Identifiers: Orphanet 580, Orphanet 79388, MedGen C0026705, MONDO:0010674, OMIM 309900.

Submission:

Laboratory of Diagnosis and Therapy of Lysosomal Disorders, University of Padova
Classification: Pathogenic for Mucopolysaccharidosis, MPS-II. Last evaluated: 2024-06-07. Review status: criteria provided, single submitter. Criteria: ACMG Guidelines, 2015. Collection method: literature only. Allele origin: germline. Affected: yes. Observed: 1 variant allele.
Comment: Null variant (PVS1_VeryStrong), Absent from controls (or at low frequency) in gnomAD database (PM2_Moderate), Patient’s phenotype or family history highly specific for the disease (PP4_Strong)

Classification method: ACMG Guidelines [PMID:25741868] with modifications

Literature cited by the submitters: PubMed 30639582.

NM_000202.8(IDS):c.880-1G>C

Genes: IDS (iduronate 2-sulfatase; minus strand), LOC106050102 (IDS recombination region; plus strand). Cytogenetic location: Xq28.
Variant type: single nucleotide variant.
Coding change: c.880-1G>C on transcript NM_000202.8 (MANE Select); the canonical splice acceptor site of the intron before coding-DNA position 880, G replaced by C.
Molecular consequence: splice acceptor variant.
Genome position (GRCh38, 1-based): chrX:149,490,441, C>G on the plus strand (G>C on the coding strand, the complement: IDS is on the minus strand). VCF-style: chrX-149490441-C-G. GRCh37 (hg19) VCF-style: chrX-148571972-C-G.
Other names: c.610-1G>C (NM_001166550.4); c.880-1G>C (NM_006123.5).
Identifiers: ClinVar variation 3255872 (VCV003255872.2).